The following is an entry in ClinVar:

ClinVar aggregate classification (germline): Uncertain significance (1 of 4 stars; one submission).

Conditions:
TRPC5-related disorder. Also called: TRPC5-related condition.

Allele frequency attached by ClinVar (database versions not stated): gnomAD exomes below 0.00001.
gnomAD v4.1: 1 of 1,211,584 alleles (0.000083%); highest among the groups gnomAD compares: Non-Finnish European, 0.00011%; no homozygotes.

Submission:

PreventionGenetics, part of Exact Sciences
Classification: Uncertain significance for TRPC5-related condition. Last evaluated: 2023-08-28. Review status: criteria provided, single submitter. Criteria: ACMG Guidelines, 2015. Collection method: clinical testing. Allele origin: germline.
Comment: The TRPC5 c.664C>T variant is predicted to result in the amino acid substitution p.Arg222Cys. To our knowledge, this variant has not been reported in the literature or in a large population database, indicating this variant is rare. At this time, the clinical significance of this variant is uncertain due to the absence of conclusive functional and genetic evidence.

NM_012471.3(TRPC5):c.664C>T (p.Arg222Cys)

Gene: TRPC5 (transient receptor potential cation channel subfamily C member 5; minus strand). Cytogenetic location: Xq23.
Variant type: single nucleotide variant.
Coding change: c.664C>T on transcript NM_012471.3 (MANE Select); coding-DNA position 664, C replaced by T.
Protein change: p.Arg222Cys; replaces arginine 222 with cysteine.
Molecular consequence: missense variant.
Genome position (GRCh38, 1-based): chrX:111,912,527, G>A on the plus strand (C>T on the coding strand, the complement: TRPC5 is on the minus strand). VCF-style: chrX-111912527-G-A. GRCh37 (hg19) VCF-style: chrX-111155755-G-A.
Other names: short protein forms R222C.
Identifiers: ClinVar variation 2635753 (VCV002635753.1), dbSNP rs2526786319, ClinGen allele CA414299608.